The following is an entry in ClinVar:

ClinVar aggregate classification (germline): Benign. Review status: criteria provided, multiple submitters, no conflicts (2 of 4 stars). 6 submissions from 2 submitters: Benign (6). Last evaluated 2021-05-22.

Conditions:
Achondrogenesis, type IB (ACG1B). Also called: Achondrogenesis Type 1B. Identifiers: Orphanet 932, Orphanet 93298, MedGen C0265274, MONDO:0010966, OMIM 600972.
Sulfate transporter-related osteochondrodysplasia. Also called: DTDST-related dysplasias. Identifiers: MedGen CN120497. Disease mechanism: loss of function.
Multiple epiphyseal dysplasia type 4 (EDM4). Also called: MULTIPLE EPIPHYSEAL DYSPLASIA WITH BILAYERED PATELLAE; MULTIPLE EPIPHYSEAL DYSPLASIA WITH CLUBFOOT; MULTIPLE EPIPHYSEAL DYSPLASIA, AUTOSOMAL RECESSIVE; SLC26A2-Related Multiple Epiphyseal Dysplasia; Multiple Epiphyseal Dysplasia, Recessive. Identifiers: Orphanet 93307, MedGen C1847593, MONDO:0009189, OMIM 226900.
Atelosteogenesis type II (AO2). Also called: NEONATAL OSSEOUS DYSPLASIA I; Neonatal osseous dysplasia 1; SLC26A2-Related Atelosteogenesis. Identifiers: Orphanet 56304, MedGen C1850554, MONDO:0009727, OMIM 256050.
Diastrophic dysplasia (DTD). Also called: Diastrophic dwarfism. Identifiers: Orphanet 628, MedGen C0220726, MONDO:0009107, OMIM 222600.

Allele frequency attached by ClinVar (database versions not stated): gnomAD 0.02847 and 0.03077; 1000 Genomes Project 0.03035; TOPMed 0.03240; 1000 Genomes Project 30x 0.03467.

Submissions (6):

GeneDx
Classification: Benign. Last evaluated: 2021-05-22. Review status: criteria provided, single submitter. Criteria: GeneDx Variant Classification Process June 2021. Collection method: clinical testing. Allele origin: germline. Affected: yes.

Illumina Laboratory Services, Illumina
Classification: Benign for Multiple epiphyseal dysplasia type 4. Last evaluated: 2018-01-13. Review status: criteria provided, single submitter. Criteria: ICSL Variant Classification Criteria 13 December 2019. Collection method: clinical testing. Allele origin: germline.
Comment: This variant was observed in the ICSL laboratory as part of a predisposition screen in an ostensibly healthy population. It had not been previously curated by ICSL or reported in the Human Gene Mutation Database (HGMD: prior to June 1st, 2018), and was therefore a candidate for classification through an automated scoring system. Utilizing variant allele frequency, disease prevalence and penetrance estimates, and inheritance mode, an automated score was calculated to assess if this variant is too frequent to cause the disease. Based on the score and internal cut-off values, a variant classified as benign is not then subjected to further curation. The score for this variant resulted in a classification of benign for this disease.

Illumina Laboratory Services, Illumina
Classification: Benign for Diastrophic dysplasia. Last evaluated: 2018-01-13. Review status: criteria provided, single submitter. Criteria: ICSL Variant Classification Criteria 13 December 2019. Collection method: clinical testing. Allele origin: germline.
Comment: the same text as in the submission from Illumina Laboratory Services, Illumina above.

Illumina Laboratory Services, Illumina
Classification: Benign for Atelosteogenesis type II. Last evaluated: 2018-01-13. Review status: criteria provided, single submitter. Criteria: ICSL Variant Classification Criteria 13 December 2019. Collection method: clinical testing. Allele origin: germline.
Comment: the same text as in the submission from Illumina Laboratory Services, Illumina above.

Illumina Laboratory Services, Illumina
Classification: Benign for Achondrogenesis, type IB. Last evaluated: 2018-01-13. Review status: criteria provided, single submitter. Criteria: ICSL Variant Classification Criteria 13 December 2019. Collection method: clinical testing. Allele origin: germline.
Comment: the same text as in the submission from Illumina Laboratory Services, Illumina above.

Illumina Laboratory Services, Illumina
Classification: Benign for Osteochondrodysplasia. Last evaluated: 2018-01-13. Review status: criteria provided, single submitter. Criteria: ICSL Variant Classification Criteria 13 December 2019. Collection method: clinical testing. Allele origin: germline.
Comment: the same text as in the submission from Illumina Laboratory Services, Illumina above.

NM_000112.4(SLC26A2):c.*590C>T

Gene: SLC26A2 (solute carrier family 26 member 2; plus strand). Cytogenetic location: 5q32.
Variant type: single nucleotide variant.
Coding change: c.*590C>T on transcript NM_000112.4 (MANE Select); 590 bases downstream of the stop codon, C replaced by T.
Molecular consequence: 3 prime UTR variant.
Genome position (GRCh38, 1-based): chr5:149,982,403, C>T. VCF-style: chr5-149982403-C-T. GRCh37 (hg19) VCF-style: chr5-149361966-C-T.
Identifiers: ClinVar variation 352041 (VCV000352041.7), dbSNP rs1046710, ClinGen allele CA10619674.